The following is an entry in ClinVar:

NM_019844.4(SLCO1B3):c.1557A>G (p.Ala519=)

Genes: SLCO1B3 (solute carrier organic anion transporter family member 1B3; plus strand), SLCO1B3-SLCO1B7 (SLCO1B3-SLCO1B7 readthrough; plus strand). Cytogenetic location: 12p12.2.
Variant type: single nucleotide variant.
Coding change: c.1557A>G on transcript NM_019844.4 (MANE Select); coding-DNA position 1557, A replaced by G.
Protein change: p.Ala519=; no amino-acid change (alanine 519 retained).
Molecular consequence: synonymous variant.
Genome position (GRCh38, 1-based): chr12:20,883,477, A>G. VCF-style: chr12-20883477-A-G. GRCh37 (hg19) VCF-style: chr12-21036411-A-G.
Other names: c.1473A>G, p.Ala491= (NM_001349920.2).
Identifiers: ClinVar variation 261183 (VCV000261183.25), dbSNP rs2053098, ClinGen allele CA6475610.

ClinVar aggregate classification (germline): Benign. Review status: criteria provided, multiple submitters, no conflicts (2 of 4 stars). 6 submissions from 6 submitters: Benign (6). Last evaluated 2025-07-31.

Conditions:
Rotor syndrome (HBLRR). Also called: HYPERBILIRUBINEMIA, ROTOR TYPE, DIGENIC; HYPERBILIRUBINEMIA, ROTOR TYPE. Identifiers: Orphanet 3111, MedGen C0220991, MONDO:0009379, OMIM 237450.

Allele frequency attached by ClinVar (database versions not stated): 1000 Genomes Project 30x 0.69644; 1000 Genomes Project 0.70288; gnomAD 0.71374 and 0.72275; TOPMed 0.71677; ESP Exome Variant Server 0.72305; ExAC 0.80468; gnomAD exomes 0.81115 and 0.84104.
gnomAD v4.1: 1,322,125 of 1,594,240 alleles (83%); highest among the groups gnomAD compares: South Asian, 91%; 556,334 homozygotes.

Submissions (6):

ARUP Laboratories, Molecular Genetics and Genomics, ARUP Laboratories
Classification: Benign for Rotor syndrome. Last evaluated: 2025-07-31. Review status: criteria provided, single submitter. Criteria: ARUP Molecular Germline Variant Investigation Process 2024. Collection method: clinical testing. Allele origin: germline.

Genome-Nilou Lab
Classification: Benign for Rotor syndrome. Last evaluated: 2021-07-15. Review status: criteria provided, single submitter. Criteria: ACMG Guidelines, 2015. Collection method: clinical testing. Allele origin: germline. Affected: no.

GeneDx
Classification: Benign. Last evaluated: 2018-11-12. Review status: criteria provided, single submitter. Criteria: GeneDx Variant Classification Process June 2021. Collection method: clinical testing. Allele origin: germline. Affected: yes.

Illumina Laboratory Services, Illumina
Classification: Benign for Rotor syndrome. Last evaluated: 2018-01-13. Review status: criteria provided, single submitter. Criteria: ICSL Variant Classification Criteria 13 December 2019. Collection method: clinical testing. Allele origin: germline.
Comment: This variant was observed in the ICSL laboratory as part of a predisposition screen in an ostensibly healthy population. It had not been previously curated by ICSL or reported in the Human Gene Mutation Database (HGMD: prior to June 1st, 2018), and was therefore a candidate for classification through an automated scoring system. Utilizing variant allele frequency, disease prevalence and penetrance estimates, and inheritance mode, an automated score was calculated to assess if this variant is too frequent to cause the disease. Based on the score and internal cut-off values, a variant classified as benign is not then subjected to further curation. The score for this variant resulted in a classification of benign for this disease.

Breakthrough Genomics
Classification: Benign. Review status: criteria provided, single submitter. Criteria: ACMG Guidelines, 2015. Collection method: not provided. Allele origin: germline. Inheritance: Autosomal recessive inheritance. Affected: yes.

PreventionGenetics, part of Exact Sciences
Classification: Benign. Review status: criteria provided, single submitter. Criteria: ACMG Guidelines, 2015. Collection method: clinical testing. Allele origin: germline.